The following is an entry in ClinVar:

NM_001001331.4(ATP2B2):c.366del (p.Phe123fs)

Gene: ATP2B2 (ATPase plasma membrane Ca2+ transporting 2; minus strand). Cytogenetic location: 3p25.3.
Variant type: Deletion.
Coding change: c.366del on transcript NM_001001331.4 (MANE Select); coding-DNA position 366, one base deleted (C; older notation c.366delC).
Protein change: p.Phe123fs; shifts the reading frame from phenylalanine 123.
Molecular consequence: frameshift variant.
Genome position (GRCh38, 1-based): chr3:10,410,649, G deleted on the plus strand (C on the coding strand, the reverse complement: ATP2B2 is on the minus strand); the first of 2 consecutive G bases (chr3:10,410,649-10,410,650); deleting either gives the same sequence. VCF-style (leftmost placement, unchanged base first): chr3-10410648-AG-A. GRCh37 (hg19) VCF-style: chr3-10452332-AG-A.
Other names: c.366del, p.Phe123fs (NM_001330611.3, NM_001353564.1, NM_001363862.1 and 3 more transcripts); short protein forms F123fs.
Identifiers: ClinVar variation 4852249 (VCV004852249.1).

ClinVar aggregate classification (germline): Likely pathogenic (1 of 4 stars; one submission).

Conditions:
Hearing loss, autosomal dominant 82. Also called: Deafness, autosomal dominant 82. Identifiers: MedGen C5676948, MONDO:0030719, OMIM 619804.

Submission:

Variantyx, Inc.
Classification: Likely pathogenic for Hearing loss, autosomal dominant 82. Last evaluated: 2025-10-24. Review status: criteria provided, single submitter. Criteria: Variantyx Assertion Criteria 2022. Collection method: clinical testing. Allele origin: germline. Inheritance: Autosomal dominant inheritance. Affected: yes.
Comment: This is a frameshift variant in the ATP2B2 gene (OMIM: 108733). Pathogenic variants in this gene have been associated with autosomal dominant deafness 82. This variant introduces a premature termination codon in exon 3 out of 23 and is expected to result in loss of function, which is a known disease mechanism for ATP2B2 in this disorder (PMID: 30535804) (PVS1). This variant is absent from control populations (PM2), and it has not been reported in individuals with ATP2B2-related disorders in the databases available for review. Based on the current evidence, this variant is classified as likely pathogenic for autosomal dominant deafness 82.

Literature cited by the submitters: PubMed 30535804.